The following is an entry in ClinVar:

ClinVar aggregate classification (germline): Pathogenic. Review status: criteria provided, multiple submitters, no conflicts (2 of 4 stars). 3 submissions from 3 submitters: Pathogenic (3). Last evaluated 2025-07-07.

Conditions:
Recessive dystrophic epidermolysis bullosa (RDEB). Also called: DYSTROPHIC EPIDERMOLYSIS BULLOSA, AUTOSOMAL RECESSIVE; EPIDERMOLYSIS BULLOSA DYSTROPHICA, HALLOPEAU-SIEMENS TYPE; epidermolysis bullosa dystrophica, autosomal recessive; severe generalized recessive dystrophic epidermolysis bullosa; Recessive DEB (RDEB); EPIDERMOLYSIS BULLOSA DYSTROPHICA, GENERALIZED SEVERE, AUTOSOMAL RECESSIVE. Identifiers: Orphanet 79408, Orphanet 79409, MedGen C0079474, MONDO:0009179, OMIM 226600.

Allele frequency attached by ClinVar (database versions not stated): TOPMed 0.00002; gnomAD 0.00002.
gnomAD v4.1: 4 of 1,614,064 alleles (0.00025%); highest among the groups gnomAD compares: Admixed American, 0.005%; no homozygotes.

Submissions (3):

Myriad Genetics, Inc.
Classification: Pathogenic for Recessive dystrophic epidermolysis bullosa. Last evaluated: 2025-07-07. Review status: criteria provided, single submitter. Criteria: Myriad Autosomal Dominant, Autosomal Recessive and X-Linked Classification Criteria (2023). Collection method: clinical testing. Allele origin: unknown.
Comment: NM_000094.3(COL7A1):c.7462C>T(Q2488*) is a nonsense variant classified as pathogenic in the context of dystrophic epidermolysis bullosa. Q2488* has been observed in cases with relevant disease (PMID: 16971478, 35347281). Relevant functional assessments of this variant are not available in the literature. Q2488* has not been observed in referenced population frequency databases. In summary, NM_000094.3(COL7A1):c.7462C>T(Q2488*) is a nonsense variant in a gene where loss of function is a known mechanism of disease, is predicted to disrupt protein function, and has been observed more frequently in cases with the relevant disease than in healthy populations. Please note: this variant was assessed in the context of healthy population screening.

Labcorp Genetics (formerly Invitae), Labcorp
Classification: Pathogenic. Last evaluated: 2023-07-15. Review status: criteria provided, single submitter. Criteria: Invitae Variant Classification Sherloc (09022015). Collection method: clinical testing. Allele origin: germline.
Comment: For these reasons, this variant has been classified as Pathogenic. ClinVar contains an entry for this variant (Variation ID: 488686). This premature translational stop signal has been observed in individual(s) with autosomal recessive dystrophic epidermolysis bullosa (PMID: 16971478). This variant is not present in population databases (gnomAD no frequency). This sequence change creates a premature translational stop signal (p.Gln2488*) in the COL7A1 gene. It is expected to result in an absent or disrupted protein product. Loss-of-function variants in COL7A1 are known to be pathogenic (PMID: 16971478).

GeneDx
Classification: Pathogenic. Last evaluated: 2016-10-18. Review status: criteria provided, single submitter. Criteria: GeneDx Variant Classification (06012015). Collection method: clinical testing. Allele origin: germline. Affected: yes.
Comment: The p.Q2488X pathogenic variant in the COL7A1 gene has been reported previously in association with RDEB (Varki et al., 2007). This variant is predicted to cause loss of normal protein function either through protein truncation or nonsense-mediated mRNA decay. The p.Q2488X variant was not observed in approximately 6500 individuals of European and African American ancestry in the NHLBI Exome Sequencing Project, indicating it is not a common benign variant in these populations. We interpret p.Q2488X as a pathogenic variant.

Literature cited by the submitters: PubMed 16971478 (cited by Myriad Genetics, Inc. and Labcorp Genetics (formerly Invitae), Labcorp); PubMed 35347281 (cited by Myriad Genetics, Inc.).

NM_000094.4(COL7A1):c.7462C>T (p.Gln2488Ter)

Gene: COL7A1 (collagen type VII alpha 1 chain; minus strand). Cytogenetic location: 3p21.31.
Variant type: single nucleotide variant.
Coding change: c.7462C>T on transcript NM_000094.4 (MANE Select); coding-DNA position 7462, C replaced by T.
Protein change: p.Gln2488Ter; replaces glutamine 2488 with a stop codon.
Molecular consequence: nonsense.
Genome position (GRCh38, 1-based): chr3:48,570,157, G>A on the plus strand (C>T on the coding strand, the complement: COL7A1 is on the minus strand). VCF-style: chr3-48570157-G-A. GRCh37 (hg19) VCF-style: chr3-48607590-G-A.
Other names: short protein forms Q2488*.
Identifiers: ClinVar variation 488686 (VCV000488686.8), dbSNP rs1553851245, ClinGen allele CA352645747.
Genomic context (GRCh38, chr3:48,570,157, plus strand): 5'-AAGTCACAGCACTGTCACTTTCCCCAGCGGGACCCACCGTGAGTCCTCGGGGTCCCTCCT[G>A]GCCGGGGCGGCCATCTTCACCCTGGATGGTGACATTAGGTTCATTGACTCAGAGGTTGGA-3'